The following is an entry in ClinVar:

ClinVar aggregate classification (germline): Pathogenic (1 of 4 stars; one submission).

Conditions:
Neuropathy, hereditary sensory, type 2C. Also called: Hereditary sensory and autonomic neuropathy type IIC; KIF1A-Related HSAN2 (HSAN2C). Identifiers: Orphanet 970, MedGen C3280168, MONDO:0013634, OMIM 614213.
Intellectual disability, autosomal dominant 9 (NESCAVS). Also called: NESCAV SYNDROME; KIF1A-Related Neurodevelopmental Disorder. Identifiers: Orphanet 662367, MedGen C5393830, MONDO:0013656, OMIM 614255.
Hereditary spastic paraplegia 30. Identifiers: Orphanet 101010, MedGen C5235139, MONDO:0012476.

Submission:

Labcorp Genetics (formerly Invitae), Labcorp
Classification: Pathogenic for Hereditary spastic paraplegia 30; Neuropathy, hereditary sensory, type 2C; Intellectual disability, autosomal dominant 9. Last evaluated: 2024-03-07. Review status: criteria provided, single submitter. Criteria: Invitae Variant Classification Sherloc (09022015). Collection method: clinical testing. Allele origin: germline.
Comment: This sequence change creates a premature translational stop signal (p.Thr556Asnfs*6) in the KIF1A gene. It is expected to result in an absent or disrupted protein product. Loss-of-function variants in KIF1A are known to be pathogenic (PMID: 21820098). This variant is not present in population databases (gnomAD no frequency). This variant has not been reported in the literature in individuals affected with KIF1A-related conditions. ClinVar contains an entry for this variant (Variation ID: 2134284). For these reasons, this variant has been classified as Pathogenic.

Literature cited by the submitters: PubMed 21820098.

NM_001244008.2(KIF1A):c.1693dup (p.Thr565fs)

Gene: KIF1A (kinesin family member 1A; minus strand). Cytogenetic location: 2q37.3.
Variant type: Duplication.
Coding change: c.1693dup on transcript NM_001244008.2 (MANE Select); coding-DNA position 1693, one base duplicated (A; older notation c.1693dupA).
Protein change: p.Thr565fs; shifts the reading frame from threonine 565.
Molecular consequence: frameshift variant.
Genome position (GRCh38, 1-based): chr2:240,765,785, T duplicated on the plus strand (A on the coding strand, the reverse complement: KIF1A is on the minus strand). VCF-style (leftmost placement, unchanged base first): chr2-240765784-G-GT. GRCh37 (hg19) VCF-style: chr2-241705201-G-GT.
Other names: c.1693dup, p.Thr565fs (NM_001320705.2, NM_001330289.2, NM_001379638.1); c.1768dup, p.Thr590fs (NM_001330290.2, NM_001379631.1, NM_001379634.1 and 2 more transcripts); c.1666dup, p.Thr556fs (NM_001379632.1, NM_001379633.1, NM_001379636.1 and 10 more transcripts); c.1741dup, p.Thr581fs (NM_001379637.1, NM_001379648.1); c.1666dup, p.Thr556Asnfs (NM_001379654.1); short protein forms T581fs, T556fs, T565fs, T590fs.
Identifiers: ClinVar variation 2134284 (VCV002134284.4), dbSNP rs2537729498, ClinGen allele CA2580067996.